The following is an entry in ClinVar:

NM_001190737.2(NFIB):c.913G>C (p.Glu305Gln)

Gene: NFIB (nuclear factor I B; minus strand). Cytogenetic location: 9p23.
Variant type: single nucleotide variant.
Coding change: c.913G>C on transcript NM_001190737.2 (MANE Select); coding-DNA position 913, G replaced by C.
Protein change: p.Glu305Gln; replaces glutamic acid 305 with glutamine.
Molecular consequence: missense variant. On other transcripts: non-coding transcript variant (4).
Genome position (GRCh38, 1-based): chr9:14,146,701, C>G on the plus strand (G>C on the coding strand, the complement: NFIB is on the minus strand). VCF-style: chr9-14146701-C-G. GRCh37 (hg19) VCF-style: chr9-14146700-C-G.
Other names: c.991G>C, p.Glu331Gln (NM_001190738.2); c.157G>C, p.Glu53Gln (NM_001282787.2); c.979G>C, p.Glu327Gln (NM_001369458.1, NM_001369459.1, NM_001369462.1 and 1 more transcripts); c.901G>C, p.Glu301Gln (NM_001369460.1, NM_001369463.1, NM_001369466.1 and 2 more transcripts); c.913G>C, p.Glu305Gln (NM_001369461.1, NM_001369464.1, NM_001369471.1 and 1 more transcripts); c.886G>C, p.Glu296Gln (NM_001369465.1, NM_001369467.1, NM_001369476.1); c.769G>C, p.Glu257Gln (NM_001369469.1); c.676G>C, p.Glu226Gln (NM_001369470.1, NM_001369478.1); and 4 more; short protein forms E126Q, E226Q, E230Q, E257Q, E287Q, E296Q, E300Q, E301Q.
Identifiers: ClinVar variation 1331172 (VCV001331172.6), dbSNP rs2042310864, ClinGen allele CA373092766.
Genomic context (GRCh38, chr9:14,146,701, plus strand): 5'-AGCCAACATTTTACTCATGGTCTCTAGAGGCATCTCCTTATTACTCACCTTGATCTCTTT[C>G]GTGCCATGTTCGACTTCCAGCAGCTGGTGAACTTGGAGAGGGGTAAAAGTCTCCTGTAGG-3'
Protein context (NP_001177666.1, residues 295-315): SPAAGSRTWH[Glu305Gln]RDQDMSSPTT

ClinVar aggregate classification (germline): Uncertain significance. Review status: criteria provided, multiple submitters, no conflicts (2 of 4 stars). 2 submissions from 2 submitters: Uncertain significance (2). Last evaluated 2023-08-25.

Conditions:
Inborn genetic diseases. Identifiers: MedGen C0950123, MeSH D030342.

gnomAD v4.1: 1 of 1,612,964 alleles (0.000062%); highest among the groups gnomAD compares: Non-Finnish European, 0.000085%; no homozygotes.

Submissions (2):

GeneDx
Classification: Uncertain significance. Last evaluated: 2023-08-25. Review status: criteria provided, single submitter. Criteria: GeneDx Variant Classification Process June 2021. Collection method: clinical testing. Allele origin: germline. Affected: yes.
Comment: Not observed at significant frequency in large population cohorts (gnomAD); In silico analysis supports that this missense variant does not alter protein structure/function; Has not been previously published as pathogenic or benign to our knowledge; This variant is associated with the following publications: (PMID: 27535533)

Ambry Genetics
Classification: Uncertain significance for Inborn genetic diseases. Last evaluated: 2022-10-25. Review status: criteria provided, single submitter. Criteria: Ambry Variant Classification Scheme 2023. Collection method: clinical testing. Allele origin: germline.